The following is an entry in ClinVar:

ClinVar aggregate classification (germline): Uncertain significance (1 of 4 stars; one submission).

Allele frequency attached by ClinVar (database versions not stated): gnomAD exomes below 0.00001; ExAC 0.00001.
gnomAD v4.1: 1 of 1,613,940 alleles (0.000062%); highest among the groups gnomAD compares: East Asian, 0.0022%; no homozygotes.

Submission:

Labcorp Genetics (formerly Invitae), Labcorp
Classification: Uncertain significance. Last evaluated: 2024-11-10. Review status: criteria provided, single submitter. Criteria: Invitae Variant Classification Sherloc (09022015). Collection method: clinical testing. Allele origin: germline.
Comment: This sequence change replaces tyrosine, which is neutral and polar, with cysteine, which is neutral and slightly polar, at codon 89 of the JAK1 protein (p.Tyr89Cys). This variant is present in population databases (rs774563390, gnomAD 0.006%). This variant has not been reported in the literature in individuals affected with JAK1-related conditions. ClinVar contains an entry for this variant (Variation ID: 1441472). Invitae Evidence Modeling of protein sequence and biophysical properties (such as structural, functional, and spatial information, amino acid conservation, physicochemical variation, residue mobility, and thermodynamic stability) indicates that this missense variant is not expected to disrupt JAK1 protein function with a negative predictive value of 80%. In summary, the available evidence is currently insufficient to determine the role of this variant in disease. Therefore, it has been classified as a Variant of Uncertain Significance.

NM_002227.4(JAK1):c.266A>G (p.Tyr89Cys)

Gene: JAK1 (Janus kinase 1; minus strand). Cytogenetic location: 1p31.3.
Variant type: single nucleotide variant.
Coding change: c.266A>G on transcript NM_002227.4 (MANE Select); coding-DNA position 266, A replaced by G.
Protein change: p.Tyr89Cys; replaces tyrosine 89 with cysteine.
Molecular consequence: missense variant.
Genome position (GRCh38, 1-based): chr1:64,879,088, T>C on the plus strand (A>G on the coding strand, the complement: JAK1 is on the minus strand). VCF-style: chr1-64879088-T-C. GRCh37 (hg19) VCF-style: chr1-65344771-T-C.
Other names: c.266A>G, p.Tyr89Cys (NM_001320923.2, NM_001321852.2, NM_001321853.2 and 4 more transcripts); short protein forms Y89C.
Identifiers: ClinVar variation 1441472 (VCV001441472.6), dbSNP rs774563390, ClinGen allele CA893203.